The following is an entry in ClinVar:

ClinVar aggregate classification (germline): Uncertain significance. Review status: criteria provided, multiple submitters, no conflicts (2 of 4 stars). 2 submissions from 2 submitters: Uncertain significance (2). Last evaluated 2024-11-11.

Conditions:
Rothmund-Thomson syndrome type 2 (RTS2). Identifiers: Orphanet 221016, MedGen C5203410, MONDO:0016369, OMIM 268400.
Baller-Gerold syndrome (BGS). Also called: CRANIOSYNOSTOSIS WITH RADIAL DEFECTS. Identifiers: Orphanet 1225, MedGen C0265308, MONDO:0009039, OMIM 218600.

Submissions (2):

Labcorp Genetics (formerly Invitae), Labcorp
Classification: Uncertain significance for Baller-Gerold syndrome. Last evaluated: 2024-11-11. Review status: criteria provided, single submitter. Criteria: Invitae Variant Classification Sherloc (09022015). Collection method: clinical testing. Allele origin: germline.
Comment: This variant, c.3460_3462del, results in the deletion of 1 amino acid(s) of the RECQL4 protein (p.Lys1154del), but otherwise preserves the integrity of the reading frame. This variant is present in population databases (no rsID available, gnomAD 0.006%). This variant has not been reported in the literature in individuals affected with RECQL4-related conditions. ClinVar contains an entry for this variant (Variation ID: 1426085). Experimental studies and prediction algorithms are not available or were not evaluated, and the functional significance of this variant is currently unknown. In summary, the available evidence is currently insufficient to determine the role of this variant in disease. Therefore, it has been classified as a Variant of Uncertain Significance.

St. Jude Molecular Pathology, St. Jude Children's Research Hospital
Classification: Uncertain significance for Rothmund-Thomson syndrome type 2. Last evaluated: 2022-10-04. Review status: criteria provided, single submitter. Criteria: St. Jude Assertion Criteria 2020. Collection method: clinical testing. Allele origin: germline.
Comment: The RECQL4 c.3460_3462del (p.Glu1154del) change deletes three nucleotides at position 3460-3462 resulting in an in-frame deletion of one amino acid at codon 1154 in exon 21. This change has a maximum subpopulation frequency of 0.0056% in gnomAD v2.1.1. To our knowledge, this variant has not been reported in individuals with RECQL4-associated conditions. In summary, the evidence currently available is insufficient to determine the clinical significance of this variant. It has therefore been classified as of uncertain significance.

NM_004260.4(RECQL4):c.3460_3462del (p.Lys1154del)

Gene: RECQL4 (RecQ like helicase 4; minus strand). Cytogenetic location: 8q24.3.
Variant type: Deletion.
Coding change: c.3460_3462del on transcript NM_004260.4 (MANE Select); coding-DNA positions 3460 to 3462, 3 bases deleted (AAG; older notation c.3460_3462delAAG).
Protein change: p.Lys1154del; deletes lysine 1154.
Molecular consequence: inframe deletion.
Genome position (GRCh38, 1-based): chr8:144,511,721-144,511,723, CTT deleted on the plus strand (AAG on the coding strand, the reverse complement: RECQL4 is on the minus strand); deleting any 3 consecutive bases within chr8:144,511,721-144,511,725 gives the same sequence; the c. name uses the placement nearest the transcript's 3' end. VCF-style (leftmost placement, unchanged base first): chr8-144511720-ACTT-A. GRCh37 (hg19) VCF-style: chr8-145737103-ACTT-A.
Other names: short protein forms K1154del.
Identifiers: ClinVar variation 1426085 (VCV001426085.9), dbSNP rs1564787405, ClinGen allele CA586165164.